The following is an entry in ClinVar:

NM_000133.4(F9):c.88G>C (p.Val30Leu)

Gene: F9 (coagulation factor IX; plus strand). Cytogenetic location: Xq27.1.
Variant type: single nucleotide variant.
Coding change: c.88G>C on transcript NM_000133.4 (MANE Select); coding-DNA position 88, G replaced by C.
Protein change: p.Val30Leu; replaces valine 30 with leucine.
Molecular consequence: missense variant.
Genome position (GRCh38, 1-based): chrX:139,530,852, G>C. VCF-style: chrX-139530852-G-C. GRCh37 (hg19) VCF-style: chrX-138613011-G-C.
Other names: NM_000133.3(F9):c.88G>C; p.Val30Leu; c.88G>C, p.Val30Leu (NM_001313913.2); short protein forms V30L.
Identifiers: ClinVar variation 627400 (VCV000627400.2), dbSNP rs1603263395, ClinGen allele CA414434503.
Genomic context (GRCh38, chrX:139,530,852, plus strand): 5'-GAATCACCAGGCCTCATCACCATCTGCCTTTTAGGATATCTACTCAGTGCTGAATGTACA[G>C]GTTTGTTTCCTTTTTTAAAATACATTGAGTATGCTTGCCTTTTAGATATAGAAATATCTG-3'
Protein context (NP_000124.1, residues 20-40): LGYLLSAECT[Val30Leu]FLDHENANKI

ClinVar aggregate classification (germline): Likely pathogenic. Review status: reviewed by expert panel (3 of 4 stars). 2 submissions from 2 submitters: Likely pathogenic (1). 1 of the submissions does not count toward it. Last evaluated 2026-04-10.

Conditions:
Hereditary factor VIII deficiency disease (HEMA). Also called: HEMOPHILIA, CLASSIC; Hemophilia A, congenital; HEM A; Factor 8 deficiency, congenital; AUTOSOMAL HEMOPHILIA A; Hemophilia A. Identifiers: Orphanet 98878, MedGen C0019069, MONDO:0010602, OMIM 306700.
Hereditary factor IX deficiency disease (HEMB). Also called: F9 DEFICIENCY; FACTOR IX DEFICIENCY; PLASMA THROMBOPLASTIN COMPONENT DEFICIENCY; Hemophilia B; Christmas Disease. Identifiers: Orphanet 98879, MedGen C0008533, MeSH D002836, MONDO:0010604, OMIM 306900.

Submissions (2):

ClinGen Coagulation Factor Deficiency Variant Curation Expert Panel, Clingen
Classification: Likely pathogenic for Hereditary factor IX deficiency disease. Last evaluated: 2026-04-10. Review status: reviewed by expert panel. Criteria: ClinGen CoagFactor ACMG Specifications F9 V2.1.0. Collection method: curation. Allele origin: germline. Inheritance: X-linked inheritance.
Comment: The F9 c.88G>C, p.Val30Leu variant is completely absent from gnomAD v4.1.0 meeting PM2_Supporting. The computational splicing predictor SpliceAI gives a score of 0.97 for donor loss, predicting that the variant disrupts the donor splice site of intron 1 of F9 meeting PP3. Additionally, the c.88G>A, p.Val30Ile variant is also predicted to impact splicing (SpliceAI donor loss score of 0.96) and was previously classified as a likely pathogenic variant using the CFD VCEP rule specifications, meeting PS1_Moderate. Two probands with the Val30Leu variant have been reported with moderate or severe hemophilia B meeting PS4_Moderate (PMID: 31064749, EAHAD Factor IX (F9) Database). Secreted conformation-specific reporter (SCSR) assay in HEK293T cells showed decreased SCSR levels compared to that of the WT, indicating that this variant impacts protein function (PMID: 32766856; PS3_Supporting). In summary, based on the evidence available at this time, the clinical significance of this variant is likely pathogenic. ACMG/AMP criteria applied, as specified by the Coagulation Factor Deficiency Variant Curation Expert Panel for F9 v2.0.1: PS1_Moderate, PS4_Moderate, PP3, PM2_Supporting, PS3_Supporting.

NIHR Bioresource Rare Diseases, University of Cambridge
Classification: Pathogenic for Hereditary factor VIII deficiency disease. Last evaluated: 2019-02-01. Review status: criteria provided, single submitter. Criteria: ACMG Guidelines, 2015. Collection method: research. Allele origin: unknown. Affected: yes. Observed: 1 hemizygote. Study: ThromboGenomics. Not counted in ClinVar's aggregate classification.

Literature cited by the submitters: PubMed 31064749 (cited by NIHR Bioresource Rare Diseases, University of Cambridge).